The following is an entry in ClinVar:

NM_144670.6(A2ML1):c.4142C>T (p.Thr1381Ile)

Gene: A2ML1 (alpha-2-macroglobulin like 1; plus strand). Cytogenetic location: 12p13.31.
Variant type: single nucleotide variant.
Coding change: c.4142C>T on transcript NM_144670.6 (MANE Select); coding-DNA position 4142, C replaced by T.
Protein change: p.Thr1381Ile; replaces threonine 1381 with isoleucine.
Molecular consequence: missense variant.
Genome position (GRCh38, 1-based): chr12:8,868,617, C>T. VCF-style: chr12-8868617-C-T. GRCh37 (hg19) VCF-style: chr12-9021213-C-T.
Other names: c.2669C>T, p.Thr890Ile (NM_001282424.3); short protein forms T1381I, T890I.
Identifiers: ClinVar variation 1027181 (VCV001027181.11), dbSNP rs1353787643, ClinGen allele CA383813007.

ClinVar aggregate classification (germline): Uncertain significance. Review status: criteria provided, multiple submitters, no conflicts (2 of 4 stars). 2 submissions from 2 submitters: Uncertain significance (2). Last evaluated 2024-12-14.

Allele frequency attached by ClinVar (database versions not stated): TOPMed below 0.00001; gnomAD exomes 0.00001.
gnomAD v4.1: 12 of 1,613,600 alleles (0.00074%); highest among the groups gnomAD compares: Middle Eastern, 0.017%; no homozygotes.

Submissions (2):

Ambry Genetics
Classification: Uncertain significance. Last evaluated: 2024-12-14. Review status: criteria provided, single submitter. Criteria: Ambry Variant Classification Scheme 2023. Collection method: clinical testing. Allele origin: germline.
Comment: The p.T1381I variant (also known as c.4142C>T), located in coding exon 32 of the A2ML1 gene, results from a C to T substitution at nucleotide position 4142. The threonine at codon 1381 is replaced by isoleucine, an amino acid with similar properties. This amino acid position is conserved. In addition, this alteration is predicted to be tolerated by in silico analysis. Since supporting evidence is limited at this time, the clinical significance of this alteration remains unclear.

Labcorp Genetics (formerly Invitae), Labcorp
Classification: Uncertain significance. Last evaluated: 2020-10-08. Review status: criteria provided, single submitter. Criteria: Invitae Variant Classification Sherloc (09022015). Collection method: clinical testing. Allele origin: germline.
Comment: Algorithms developed to predict the effect of missense changes on protein structure and function are either unavailable or do not agree on the potential impact of this missense change (SIFT: "Deleterious"; PolyPhen-2: "Possibly Damaging"; Align-GVGD: "Class C0"). In summary, the available evidence is currently insufficient to determine the role of this variant in disease. Therefore, it has been classified as a Variant of Uncertain Significance. This variant has not been reported in the literature in individuals with A2ML1-related conditions. This variant is not present in population databases (ExAC no frequency). This sequence change replaces threonine with isoleucine at codon 1381 of the A2ML1 protein (p.Thr1381Ile). The threonine residue is moderately conserved and there is a moderate physicochemical difference between threonine and isoleucine.